The following is an entry in ClinVar:

NM_021930.6(RINT1):c.342G>A (p.Lys114=)

Gene: RINT1 (RAD50 interactor 1; plus strand). Cytogenetic location: 7q22.3.
Variant type: single nucleotide variant.
Coding change: c.342G>A on transcript NM_021930.6 (MANE Select); coding-DNA position 342, G replaced by A.
Protein change: p.Lys114=; no amino-acid change (lysine 114 retained).
Molecular consequence: synonymous variant. On other transcripts: 5 prime UTR variant (3), non-coding transcript variant (1).
Genome position (GRCh38, 1-based): chr7:105,542,476, G>A. VCF-style: chr7-105542476-G-A. GRCh37 (hg19) VCF-style: chr7-105182923-G-A.
Other names: c.108G>A, p.Lys36= (NM_001346599.2); c.-678G>A (NM_001346600.2); c.-581G>A (NM_001346601.2); c.-201G>A (NM_001346603.2).
Identifiers: ClinVar variation 1731358 (VCV001731358.2), dbSNP rs754465806, ClinGen allele CA457201696.

ClinVar aggregate classification (germline): Uncertain significance (1 of 4 stars; one submission).

gnomAD v4.1: 3 of 1,613,832 alleles (0.00019%); highest among the groups gnomAD compares: Non-Finnish European, 0.00025%; no homozygotes.

Submission:

Ambry Genetics
Classification: Uncertain significance. Last evaluated: 2022-08-04. Review status: criteria provided, single submitter. Criteria: Ambry Variant Classification Scheme 2023. Collection method: clinical testing. Allele origin: germline.
Comment: The c.342G>A variant (also known as p.K114K), located in coding exon 4 of the RINT1 gene, results from a G to A substitution at nucleotide position 342. This nucleotide substitution does not change the lysine at codon 114. This nucleotide position is not well conserved in available vertebrate species. In silico splice site analysis for this alteration is inconclusive. The evidence for this gene-disease relationship is limited; therefore, the clinical significance of this alteration is unclear.